The following is an entry in ClinVar:

ClinVar aggregate classification (germline): Uncertain significance (1 of 4 stars; one submission).

Allele frequency attached by ClinVar (database versions not stated): gnomAD exomes below 0.00001.
gnomAD v4.1: 3 of 1,611,522 alleles (0.00019%); highest among the groups gnomAD compares: Non-Finnish European, 0.00025%; no homozygotes.

Submission:

Ambry Genetics
Classification: Uncertain significance. Last evaluated: 2025-02-04. Review status: criteria provided, single submitter. Criteria: Ambry Variant Classification Scheme 2023. Collection method: clinical testing. Allele origin: germline.
Comment: The p.S673G variant (also known as c.2017A>G), located in coding exon 16 of the A2ML1 gene, results from an A to G substitution at nucleotide position 2017. The serine at codon 673 is replaced by glycine, an amino acid with similar properties. This amino acid position is conserved. In addition, this alteration is predicted to be tolerated by in silico analysis. Based on the available evidence, the clinical significance of this variant remains unclear.

NM_144670.6(A2ML1):c.2017A>G (p.Ser673Gly)

Gene: A2ML1 (alpha-2-macroglobulin like 1; plus strand). Cytogenetic location: 12p13.31.
Variant type: single nucleotide variant.
Coding change: c.2017A>G on transcript NM_144670.6 (MANE Select); coding-DNA position 2017, A replaced by G.
Protein change: p.Ser673Gly; replaces serine 673 with glycine.
Molecular consequence: missense variant.
Genome position (GRCh38, 1-based): chr12:8,848,903, A>G. VCF-style: chr12-8848903-A-G. GRCh37 (hg19) VCF-style: chr12-9001499-A-G.
Other names: c.544A>G, p.Ser182Gly (NM_001282424.3); short protein forms S673G, S182G.
Identifiers: ClinVar variation 2275300 (VCV002275300.3), dbSNP rs1943795289, ClinGen allele CA383831188.